The following is an entry in ClinVar:

NM_152383.5(DIS3L2):c.1345T>C (p.Cys449Arg)

Gene: DIS3L2 (DIS3 like 3'-5' exoribonuclease 2; plus strand). Cytogenetic location: 2q37.1.
Variant type: single nucleotide variant.
Coding change: c.1345T>C on transcript NM_152383.5 (MANE Select); coding-DNA position 1345, T replaced by C.
Protein change: p.Cys449Arg; replaces cysteine 449 with arginine.
Molecular consequence: missense variant. On other transcripts: non-coding transcript variant (2).
Genome position (GRCh38, 1-based): chr2:232,249,266, T>C. VCF-style: chr2-232249266-T-C. GRCh37 (hg19) VCF-style: chr2-233113976-T-C.
Other names: c.1345T>C, p.Cys449Arg (NM_001257281.2); short protein forms C449R.
Identifiers: ClinVar variation 837481 (VCV000837481.9), dbSNP rs1216643186, ClinGen allele CA351155404.
Genomic context (GRCh38, chr2:232,249,266, plus strand): 5'-AAAGGTGCTCATGGGCCTGTGCTCTATTTACAGGTGGTCCCCATGCTTCCCAGGCTGCTG[T>C]GTGAGGAGCTGTGCAGCCTCAACCCCATGTCCGACAAGCTGACCTTCTCTGTGATCTGGA-3'
Protein context (NP_689596.4, residues 439-459): KVVPMLPRLL[Cys449Arg]EELCSLNPMS

ClinVar aggregate classification (germline): Uncertain significance (1 of 4 stars; one submission).

Conditions:
Perlman syndrome (PRLMNS). Identifiers: Orphanet 2849, MedGen C0796113, MONDO:0009965, OMIM 267000.

Allele frequency attached by ClinVar (database versions not stated): gnomAD exomes below 0.00001.
gnomAD v4.1: 2 of 1,614,182 alleles (0.00012%); highest among the groups gnomAD compares: Non-Finnish European, 0.00017%; no homozygotes.

Submission:

Labcorp Genetics (formerly Invitae), Labcorp
Classification: Uncertain significance for Perlman syndrome. Last evaluated: 2020-03-28. Review status: criteria provided, single submitter. Criteria: Invitae Variant Classification Sherloc (09022015). Collection method: clinical testing. Allele origin: germline.
Comment: This sequence change replaces cysteine with arginine at codon 449 of the DIS3L2 protein (p.Cys449Arg). The cysteine residue is highly conserved and there is a large physicochemical difference between cysteine and arginine. This variant is not present in population databases (ExAC no frequency). This variant has not been reported in the literature in individuals with DIS3L2-related conditions. Algorithms developed to predict the effect of missense changes on protein structure and function are either unavailable or do not agree on the potential impact of this missense change (SIFT: "Deleterious"; PolyPhen-2: "Probably Damaging"; Align-GVGD: "Class C0"). In summary, the available evidence is currently insufficient to determine the role of this variant in disease. Therefore, it has been classified as a Variant of Uncertain Significance.